The following is an entry in ClinVar:

NM_016562.4(TLR7):c.1913G>A (p.Gly638Asp)

Gene: TLR7 (toll like receptor 7; plus strand). Cytogenetic location: Xp22.2.
Variant type: single nucleotide variant.
Coding change: c.1913G>A on transcript NM_016562.4 (MANE Select); coding-DNA position 1913, G replaced by A.
Protein change: p.Gly638Asp; replaces glycine 638 with aspartic acid.
Molecular consequence: missense variant.
Genome position (GRCh38, 1-based): chrX:12,887,421, G>A. VCF-style: chrX-12887421-G-A. GRCh37 (hg19) VCF-style: chrX-12905540-G-A.
Other names: short protein forms G638D.
Identifiers: ClinVar variation 2881723 (VCV002881723.3), dbSNP rs2518438724, ClinGen allele CA412409043.
Genomic context (GRCh38, chrX:12,887,421, plus strand): 5'-GTGAGTCTCTTAGAACTCTGGAATTCAGAGGAAATCACTTAGATGTTTTATGGAGAGAAG[G>A]TGATAACAGATACTTACAATTATTCAAGAATCTGCTAAAATTAGAGGAATTAGACATCTC-3'
Protein context (NP_057646.1, residues 628-648): GNHLDVLWRE[Gly638Asp]DNRYLQLFKN

ClinVar aggregate classification (germline): Uncertain significance (1 of 4 stars; one submission).

Allele frequency attached by ClinVar (database versions not stated): gnomAD exomes 0.00003.

Submission:

Labcorp Genetics (formerly Invitae), Labcorp
Classification: Uncertain significance. Last evaluated: 2023-08-23. Review status: criteria provided, single submitter. Criteria: Invitae Variant Classification Sherloc (09022015). Collection method: clinical testing. Allele origin: germline.
Comment: In summary, the available evidence is currently insufficient to determine the role of this variant in disease. Therefore, it has been classified as a Variant of Uncertain Significance. An algorithm developed to predict the effect of missense changes on protein structure and function (PolyPhen-2) suggests that this variant is likely to be tolerated. This variant has not been reported in the literature in individuals affected with TLR7-related conditions. This variant is not present in population databases (gnomAD no frequency). This sequence change replaces glycine, which is neutral and non-polar, with aspartic acid, which is acidic and polar, at codon 638 of the TLR7 protein (p.Gly638Asp).